The following is an entry in ClinVar:

NM_014305.4(TGDS):c.-10G>A

Genes: TGDS (TDP-glucose 4,6-dehydratase; minus strand), LOC130009954 (ATAC-STARR-seq lymphoblastoid active region 7866; plus strand). Cytogenetic location: 13q32.1.
Variant type: single nucleotide variant.
Coding change: c.-10G>A on transcript NM_014305.4 (MANE Select); 10 bases upstream of the start codon, G replaced by A.
Molecular consequence: 5 prime UTR variant. On other transcripts: non-coding transcript variant (2).
Genome position (GRCh38, 1-based): chr13:94,596,146, C>T on the plus strand (G>A on the coding strand, the complement: TGDS is on the minus strand). VCF-style: chr13-94596146-C-T. GRCh37 (hg19) VCF-style: chr13-95248400-C-T.
Other names: c.-182G>A (NM_001304430.2).
Identifiers: ClinVar variation 3044655 (VCV003044655.2), dbSNP rs368499099, ClinGen allele CA7018203.

ClinVar aggregate classification (germline): Likely benign (0 of 4 stars; one submission).

Conditions:
TGDS-related disorder. Also called: TGDS-related condition.

Allele frequency attached by ClinVar (database versions not stated): gnomAD exomes below 0.00001; ExAC 0.00001; gnomAD 0.00001; TOPMed 0.00001; ESP Exome Variant Server 0.00008.
gnomAD v4.1: 7 of 1,613,598 alleles (0.00043%); highest among the groups gnomAD compares: African/African-American, 0.0067%; no homozygotes.

Submission:

PreventionGenetics, part of Exact Sciences
Classification: Likely benign for TGDS-related condition. Last evaluated: 2023-12-20. Review status: no assertion criteria provided. Collection method: clinical testing. Allele origin: germline.
Comment: This variant is classified as likely benign based on ACMG/AMP sequence variant interpretation guidelines (Richards et al. 2015 PMID: 25741868, with internal and published modifications).